The following is an entry in ClinVar:

ClinVar aggregate classification (germline): Likely benign (1 of 4 stars; one submission).

Allele frequency attached by ClinVar (database versions not stated): gnomAD 0.00001; TOPMed 0.00001.
gnomAD v4.1: 11 of 1,613,898 alleles (0.00068%); highest among the groups gnomAD compares: Non-Finnish European, 0.00042%; no homozygotes.

Submission:

CeGaT Center for Human Genetics Tuebingen
Classification: Likely benign. Last evaluated: 2023-10-01. Review status: criteria provided, single submitter. Criteria: CeGaT Center For Human Genetics Tuebingen Variant Classification Criteria Version 2. Collection method: clinical testing. Allele origin: germline. Affected: yes. Observed: 1 variant allele.
Comment: TOGARAM1: BP4, BP7

NM_001308120.2(TOGARAM1):c.1293G>A (p.Gln431=)

Gene: TOGARAM1 (TOG array regulator of axonemal microtubules 1; plus strand). Cytogenetic location: 14q21.2.
Variant type: single nucleotide variant.
Coding change: c.1293G>A on transcript NM_001308120.2 (MANE Select); coding-DNA position 1293, G replaced by A.
Protein change: p.Gln431=; no amino-acid change (glutamine 431 retained).
Molecular consequence: synonymous variant. On other transcripts: non-coding transcript variant (1).
Genome position (GRCh38, 1-based): chr14:44,963,714, G>A. VCF-style: chr14-44963714-G-A. GRCh37 (hg19) VCF-style: chr14-45432917-G-A.
Other names: c.1293G>A, p.Gln431= (NM_015091.4).
Identifiers: ClinVar variation 2644199 (VCV002644199.24), dbSNP rs962418201, ClinGen allele CA259598484.